The following is an entry in ClinVar:

NM_198576.4(AGRN):c.4093G>A (p.Val1365Ile)

Gene: AGRN (agrin; plus strand). Cytogenetic location: 1p36.33.
Variant type: single nucleotide variant.
Coding change: c.4093G>A on transcript NM_198576.4 (MANE Select); coding-DNA position 4093, G replaced by A.
Protein change: p.Val1365Ile; replaces valine 1365 with isoleucine.
Molecular consequence: missense variant.
Genome position (GRCh38, 1-based): chr1:1,048,353, G>A. VCF-style: chr1-1048353-G-A. GRCh37 (hg19) VCF-style: chr1-983733-G-A.
Other names: c.4093G>A, p.Val1365Ile (NM_001305275.2); c.3778G>A, p.Val1260Ile (NM_001364727.2); short protein forms V1365I, V1260I.
Identifiers: ClinVar variation 834458 (VCV000834458.9), dbSNP rs745802920, ClinGen allele CA509312.

ClinVar aggregate classification (germline): Conflicting classifications of pathogenicity. Review status: criteria provided, conflicting classifications (1 of 4 stars). 2 submissions from 2 submitters: Uncertain significance (1); Likely benign (1). Last evaluated 2025-08-01.

Conditions:
Inborn genetic diseases. Identifiers: MedGen C0950123, MeSH D030342.
Congenital myasthenic syndrome 8. Also called: MYASTHENIC SYNDROME, CONGENITAL, DUE TO AGRIN DEFICIENCY; Myasthenic syndrome, congenital, 8, with pre- and postsynaptic defects. Identifiers: Orphanet 590, MedGen C3808739, MONDO:0014052, OMIM 615120.

Allele frequency attached by ClinVar (database versions not stated): ExAC below 0.00001; gnomAD exomes 0.00003 and 0.00004; TOPMed 0.00006.
gnomAD v4.1: 46 of 1,465,516 alleles (0.0031%); highest among the groups gnomAD compares: Non-Finnish European, 0.0034%; no homozygotes.

Submissions (2):

Ambry Genetics
Classification: Likely benign for Inborn genetic diseases. Last evaluated: 2025-08-01. Review status: criteria provided, single submitter. Criteria: Ambry Variant Classification Scheme 2023. Collection method: clinical testing. Allele origin: germline.

Labcorp Genetics (formerly Invitae), Labcorp
Classification: Uncertain significance for Congenital myasthenic syndrome 8. Last evaluated: 2022-06-27. Review status: criteria provided, single submitter. Criteria: Invitae Variant Classification Sherloc (09022015). Collection method: clinical testing. Allele origin: germline.
Comment: This sequence change replaces valine, which is neutral and non-polar, with isoleucine, which is neutral and non-polar, at codon 1365 of the AGRN protein (p.Val1365Ile). This variant is present in population databases (rs745802920, gnomAD 0.02%). This variant has not been reported in the literature in individuals affected with AGRN-related conditions. ClinVar contains an entry for this variant (Variation ID: 834458). Algorithms developed to predict the effect of missense changes on protein structure and function output the following: SIFT: "Tolerated"; PolyPhen-2: "Benign"; Align-GVGD: "Class C0". The isoleucine amino acid residue is found in multiple mammalian species, which suggests that this missense change does not adversely affect protein function. In summary, the available evidence is currently insufficient to determine the role of this variant in disease. Therefore, it has been classified as a Variant of Uncertain Significance.